The following is an entry in ClinVar:

NM_170601.5(SIAE):c.1138G>T (p.Asp380Tyr)

Gene: SIAE (sialic acid acetylesterase; minus strand). Cytogenetic location: 11q24.2.
Variant type: single nucleotide variant.
Coding change: c.1138G>T on transcript NM_170601.5 (MANE Select); coding-DNA position 1138, G replaced by T.
Protein change: p.Asp380Tyr; replaces aspartic acid 380 with tyrosine.
Molecular consequence: missense variant.
Genome position (GRCh38, 1-based): chr11:124,638,724, C>A on the plus strand (G>T on the coding strand, the complement: SIAE is on the minus strand). VCF-style: chr11-124638724-C-A. GRCh37 (hg19) VCF-style: chr11-124508620-C-A.
Other names: c.1033G>T, p.Asp345Tyr (NM_001199922.2); short protein forms D345Y, D380Y.
Identifiers: ClinVar variation 3661206 (VCV003661206.2).

ClinVar aggregate classification (germline): Uncertain significance (1 of 4 stars; one submission).

Submission:

Labcorp Genetics (formerly Invitae), Labcorp
Classification: Uncertain significance. Last evaluated: 2024-12-18. Review status: criteria provided, single submitter. Criteria: Invitae Variant Classification Sherloc (09022015). Collection method: clinical testing. Allele origin: germline.
Comment: This sequence change replaces aspartic acid, which is acidic and polar, with tyrosine, which is neutral and polar, at codon 380 of the SIAE protein (p.Asp380Tyr). This variant is not present in population databases (gnomAD no frequency). This variant has not been reported in the literature in individuals affected with SIAE-related conditions. An algorithm developed to predict the effect of missense changes on protein structure and function (PolyPhen-2) suggests that this variant is likely to be disruptive. In summary, the available evidence is currently insufficient to determine the role of this variant in disease. Therefore, it has been classified as a Variant of Uncertain Significance.